The following is an entry in ClinVar:

NM_006766.5(KAT6A):c.5842C>A (p.Gln1948Lys)

Gene: KAT6A (lysine acetyltransferase 6A; minus strand). Cytogenetic location: 8p11.21.
Variant type: single nucleotide variant.
Coding change: c.5842C>A on transcript NM_006766.5 (MANE Select); coding-DNA position 5842, C replaced by A.
Protein change: p.Gln1948Lys; replaces glutamine 1948 with lysine.
Molecular consequence: missense variant.
Genome position (GRCh38, 1-based): chr8:41,932,378, G>T on the plus strand (C>A on the coding strand, the complement: KAT6A is on the minus strand). VCF-style: chr8-41932378-G-T. GRCh37 (hg19) VCF-style: chr8-41789896-G-T.
Other names: short protein forms Q1948K.
Identifiers: ClinVar variation 3348547 (VCV003348547.1).

ClinVar aggregate classification (germline): Uncertain significance (0 of 4 stars; one submission).

Conditions:
KAT6A-related disorder. Also called: KAT6A-related condition.

Submission:

PreventionGenetics, part of Exact Sciences
Classification: Uncertain significance for KAT6A-related condition. Last evaluated: 2024-04-03. Review status: no assertion criteria provided. Collection method: clinical testing. Allele origin: germline.
Comment: The KAT6A c.5842C>A variant is predicted to result in the amino acid substitution p.Gln1948Lys. To our knowledge, this variant has not been reported in the literature or in a large population database, indicating this variant is rare. At this time, the clinical significance of this variant is uncertain due to the absence of conclusive functional and genetic evidence.